The following is an entry in ClinVar:

ClinVar aggregate classification (germline): Uncertain significance (1 of 4 stars; one submission).

Conditions:
Hereditary cancer-predisposing syndrome. Also called: Neoplastic Syndromes, Hereditary; Tumor predisposition; Hereditary Cancer Syndrome; Hereditary neoplastic syndrome. Identifiers: Orphanet 140162, MedGen C0027672, MeSH D009386, MONDO:0015356.

Submission:

Ambry Genetics
Classification: Uncertain significance for Hereditary cancer-predisposing syndrome. Last evaluated: 2026-04-14. Review status: criteria provided, single submitter. Criteria: Ambry Variant Classification Scheme 2023. Collection method: clinical testing. Allele origin: germline.
Comment: The p.D83V variant (also known as c.248A>T), located in coding exon 3 of the NF2 gene, results from an A to T substitution at nucleotide position 248. The aspartic acid at codon 83 is replaced by valine, an amino acid with highly dissimilar properties. This amino acid position is conserved. In silico splice site analysis predicts that this alteration will not have any significant effect on splicing; however, direct evidence is insufficient at this time (Ambry internal data). In addition, this alteration is predicted to be deleterious by in silico analysis. Based on the available evidence, the clinical significance of this variant remains unclear.

NM_000268.4(NF2):c.248A>T (p.Asp83Val)

Gene: NF2 (NF2, moesin-ezrin-radixin like (MERLIN) tumor suppressor; plus strand). Cytogenetic location: 22q12.2.
Variant type: single nucleotide variant.
Coding change: c.248A>T on transcript NM_000268.4 (MANE Select); coding-DNA position 248, A replaced by T.
Protein change: p.Asp83Val; replaces aspartic acid 83 with valine.
Molecular consequence: missense variant. On other transcripts: 5 prime UTR variant (1), intron variant (8).
Genome position (GRCh38, 1-based): chr22:29,639,097, A>T. VCF-style: chr22-29639097-A-T. GRCh37 (hg19) VCF-style: chr22-30035086-A-T.
Other names: c.122A>T, p.Asp41Val (NM_001407055.1, NM_181828.3); c.134A>T, p.Asp45Val (NM_001407056.1, NM_001407053.1); c.248A>T, p.Asp83Val (NM_001407057.1, NM_001407059.1, NM_001407060.1 and 5 more transcripts); c.-393A>T (NM_001407065.1); c.17A>T, p.Asp6Val (NM_001407067.1); c.240+2221A>T (NM_001407058.1, NM_181829.3, NM_001407054.1 and 1 more transcripts); c.115-3105A>T (NM_001407063.1, NM_181830.3, NM_001407064.1 and 1 more transcripts); short protein forms D41V, D45V, D6V, D83V.
Identifiers: ClinVar variation 4861015 (VCV004861015.1).
Genomic context (GRCh38, chr22:29,639,097, plus strand): 5'-ACAGGAGGAAGTGCCAATATAGTGTGTTTGTCTTTTGCTCTGCAATTCTGCAGGTACTGG[A>T]TCATGATGTTTCAAAGGAAGAACCAGTCACCTTTCACTTCTTGGCCAAATTTTATCCTGA-3'
Protein context (NP_000259.1, residues 73-93): AWLKMDKKVL[Asp83Val]HDVSKEEPVT